The following is an entry in ClinVar:

ClinVar aggregate classification (germline): Likely benign (0 of 4 stars; one submission).

Conditions:
CNOT1-related disorder. Also called: CNOT1-related condition.

Allele frequency attached by ClinVar (database versions not stated): gnomAD exomes 0.00002; ExAC 0.00011; 1000 Genomes Project 0.00020; gnomAD 0.00025; 1000 Genomes Project 30x 0.00031; TOPMed 0.00036; ESP Exome Variant Server 0.00077.
gnomAD v4.1: 73 of 1,614,006 alleles (0.0045%); highest among the groups gnomAD compares: African/African-American, 0.092%; no homozygotes.

Submission:

PreventionGenetics, part of Exact Sciences
Classification: Likely benign for CNOT1-related condition. Last evaluated: 2019-08-20. Review status: no assertion criteria provided. Collection method: clinical testing. Allele origin: germline.
Comment: This variant is classified as likely benign based on ACMG/AMP sequence variant interpretation guidelines (Richards et al. 2015 PMID: 25741868, with internal and published modifications).

NM_016284.5(CNOT1):c.162T>C (p.His54=)

Gene: CNOT1 (CCR4-NOT transcription complex subunit 1; minus strand). Cytogenetic location: 16q21.
Variant type: single nucleotide variant.
Coding change: c.162T>C on transcript NM_016284.5 (MANE Select); coding-DNA position 162, T replaced by C.
Protein change: p.His54=; no amino-acid change (histidine 54 retained).
Molecular consequence: synonymous variant. On other transcripts: non-coding transcript variant (1).
Genome position (GRCh38, 1-based): chr16:58,588,847, A>G on the plus strand (T>C on the coding strand, the complement: CNOT1 is on the minus strand). VCF-style: chr16-58588847-A-G. GRCh37 (hg19) VCF-style: chr16-58622751-A-G.
Other names: c.162T>C, p.His54= (NM_001265612.2, NM_206999.3).
Identifiers: ClinVar variation 3053170 (VCV003053170.2), dbSNP rs146964478, ClinGen allele CA8090269.